The following is an entry in ClinVar:

ClinVar aggregate classification (germline): Uncertain significance. Review status: criteria provided, multiple submitters, no conflicts (2 of 4 stars). 6 submissions from 6 submitters: Uncertain significance (6). Last evaluated 2025-11-21.

Conditions:
Cardiovascular phenotype. Identifiers: MedGen CN230736.
Alstrom syndrome (ALMS). Identifiers: Orphanet 64, MedGen C0268425, MONDO:0008763, OMIM 203800.

Allele frequency attached by ClinVar (database versions not stated): gnomAD exomes 0.00001; TOPMed 0.00002; gnomAD 0.00005.
gnomAD v4.1: 16 of 1,613,984 alleles (0.00099%); highest among the groups gnomAD compares: Admixed American, 0.0017%; no homozygotes.

Submissions (6):

Labcorp Genetics (formerly Invitae), Labcorp
Classification: Uncertain significance for Alstrom syndrome. Last evaluated: 2025-11-21. Review status: criteria provided, single submitter. Criteria: Invitae Variant Classification Sherloc (09022015). Collection method: clinical testing. Allele origin: germline.
Comment: This sequence change replaces lysine, which is basic and polar, with glutamic acid, which is acidic and polar, at codon 3724 of the ALMS1 protein (p.Lys3724Glu). This variant is present in population databases (rs530985565, gnomAD 0.003%). This variant has not been reported in the literature in individuals affected with ALMS1-related conditions. ClinVar contains an entry for this variant (Variation ID: 1404427). Experimental studies and prediction algorithms are not available or were not evaluated, and the functional significance of this variant is currently unknown. In summary, the available evidence is currently insufficient to determine the role of this variant in disease. Therefore, it has been classified as a Variant of Uncertain Significance.

Women's Health and Genetics/Laboratory Corporation of America, LabCorp
Classification: Uncertain significance. Last evaluated: 2025-02-03. Review status: criteria provided, single submitter. Criteria: LabCorp Variant Classification Summary - May 2015. Collection method: clinical testing. Allele origin: germline.

Ambry Genetics
Classification: Uncertain significance for Cardiovascular phenotype. Last evaluated: 2024-04-17. Review status: criteria provided, single submitter. Criteria: Ambry Variant Classification Scheme 2023. Collection method: clinical testing. Allele origin: germline.
Comment: The p.K3724E variant (also known as c.11170A>G), located in coding exon 16 of the ALMS1 gene, results from an A to G substitution at nucleotide position 11170. The lysine at codon 3724 is replaced by glutamic acid, an amino acid with similar properties. This amino acid position is not well conserved in available vertebrate species. In addition, the in silico prediction for this alteration is inconclusive. Based on the available evidence, the clinical significance of this variant remains unclear.

GeneDx
Classification: Uncertain significance. Last evaluated: 2024-01-23. Review status: criteria provided, single submitter. Criteria: GeneDx Variant Classification Process June 2021. Collection method: clinical testing. Allele origin: germline. Affected: yes.
Comment: Not observed at significant frequency in large population cohorts (gnomAD); In silico analysis supports that this missense variant has a deleterious effect on protein structure/function; Has not been previously published as pathogenic or benign to our knowledge

Fulgent Genetics
Classification: Uncertain significance for Alstrom syndrome. Last evaluated: 2021-12-08. Review status: criteria provided, single submitter. Criteria: ACMG Guidelines, 2015. Collection method: clinical testing. Allele origin: unknown.

Blueprint Genetics
Classification: Uncertain significance. Last evaluated: 2018-11-16. Review status: criteria provided, single submitter. Criteria: ACMG Guidelines, 2015. Collection method: clinical testing. Allele origin: germline.

NM_001378454.1(ALMS1):c.11167A>G (p.Lys3723Glu)

Gene: ALMS1 (ALMS1 centrosome and basal body associated protein; plus strand). Cytogenetic location: 2p13.1.
Variant type: single nucleotide variant.
Coding change: c.11167A>G on transcript NM_001378454.1 (MANE Select); coding-DNA position 11167, A replaced by G.
Protein change: p.Lys3723Glu; replaces lysine 3723 with glutamic acid.
Molecular consequence: missense variant.
Genome position (GRCh38, 1-based): chr2:73,573,044, A>G. VCF-style: chr2-73573044-A-G. GRCh37 (hg19) VCF-style: chr2-73800171-A-G.
Other names: c.11170A>G, p.Lys3724Glu (NM_015120.4); short protein forms K3724E, K3723E.
Identifiers: ClinVar variation 1404427 (VCV001404427.9), dbSNP rs530985565, ClinGen allele CA50386834.
Genomic context (GRCh38, chr2:73,573,044, plus strand): 5'-GCTGGGAGGTCTAATCAAATTAAAATTGAACAGATTAAATTTGATAAATATATTCTGAGT[A>G]AACAGCCAGGTTTTAATTATATAAGCAACACTTCTTCGGATTGTCGGCCCTCAGAGGAGA-3'
Protein context (NP_001365383.1, residues 3713-3733): QIKFDKYILS[Lys3723Glu]QPGFNYISNT